The following is an entry in ClinVar:

ClinVar aggregate classification (germline): Uncertain significance. Review status: criteria provided, multiple submitters, no conflicts (2 of 4 stars). 5 submissions from 5 submitters: Uncertain significance (5). Last evaluated 2025-12-24.

Conditions:
Inborn genetic diseases. Identifiers: MedGen C0950123, MeSH D030342.
Autosomal recessive hypophosphatemic bone disease (HHRH). Also called: HYPERCALCIURIC RICKETS; Hypophosphatemic rickets with hypercalciuria. Identifiers: Orphanet 157215, MedGen C1853271, MONDO:0009431, OMIM 241530.

Allele frequency attached by ClinVar (database versions not stated): gnomAD exomes 0.00002 and 0.00003; gnomAD 0.00003 and 0.00004; TOPMed 0.00005.
gnomAD v4.1: 33 of 1,579,444 alleles (0.0021%); highest among the groups gnomAD compares: Non-Finnish European, 0.0026%; no homozygotes.

Submissions (5):

Ambry Genetics
Classification: Uncertain significance for Inborn genetic diseases. Last evaluated: 2025-12-24. Review status: criteria provided, single submitter. Criteria: Ambry Variant Classification Scheme 2023. Collection method: clinical testing. Allele origin: germline.

Labcorp Genetics (formerly Invitae), Labcorp
Classification: Uncertain significance. Last evaluated: 2025-11-10. Review status: criteria provided, single submitter. Criteria: Invitae Variant Classification Sherloc (09022015). Collection method: clinical testing. Allele origin: germline.
Comment: This sequence change replaces threonine, which is neutral and polar, with isoleucine, which is neutral and non-polar, at codon 202 of the SLC34A3 protein (p.Thr202Ile). This variant is present in population databases (no rsID available, gnomAD 0.006%). This missense change has been observed in individual(s) with clinical features of hereditary hypophosphatemic rickets with hypercalciuria (PMID: 35689455). ClinVar contains an entry for this variant (Variation ID: 1386527). Invitae Evidence Modeling of protein sequence and biophysical properties (such as structural, functional, and spatial information, amino acid conservation, physicochemical variation, residue mobility, and thermodynamic stability) indicates that this missense variant is not expected to disrupt SLC34A3 protein function with a negative predictive value of 80%. In summary, the available evidence is currently insufficient to determine the role of this variant in disease. Therefore, it has been classified as a Variant of Uncertain Significance.

Blueprint Genetics
Classification: Uncertain significance. Last evaluated: 2024-04-24. Review status: criteria provided, single submitter. Criteria: ACMG Guidelines, 2015. Collection method: clinical testing. Allele origin: germline.

CeGaT Center for Human Genetics Tuebingen
Classification: Uncertain significance. Last evaluated: 2023-07-01. Review status: criteria provided, single submitter. Criteria: CeGaT Center For Human Genetics Tuebingen Variant Classification Criteria Version 2. Collection method: clinical testing. Allele origin: germline. Affected: yes. Observed: 1 variant allele.
Comment: SLC34A3: PM2

Fulgent Genetics
Classification: Uncertain significance for Autosomal recessive hypophosphatemic bone disease. Last evaluated: 2022-03-07. Review status: criteria provided, single submitter. Criteria: ACMG Guidelines, 2015. Collection method: clinical testing. Allele origin: unknown.

Literature cited by the submitters: PubMed 35689455 (cited by Labcorp Genetics (formerly Invitae), Labcorp).

NM_001177316.2(SLC34A3):c.605C>T (p.Thr202Ile)

Gene: SLC34A3 (solute carrier family 34 member 3; plus strand). Cytogenetic location: 9q34.3.
Variant type: single nucleotide variant.
Coding change: c.605C>T on transcript NM_001177316.2 (MANE Select); coding-DNA position 605, C replaced by T.
Protein change: p.Thr202Ile; replaces threonine 202 with isoleucine.
Molecular consequence: missense variant.
Genome position (GRCh38, 1-based): chr9:137,233,253, C>T. VCF-style: chr9-137233253-C-T. GRCh37 (hg19) VCF-style: chr9-140127705-C-T.
Other names: c.605C>T, p.Thr202Ile (NM_001177317.2, NM_080877.3); short protein forms T202I.
Identifiers: ClinVar variation 1386527 (VCV001386527.32), dbSNP rs868077426, ClinGen allele CA201694978.